The following is an entry in ClinVar:

GRCh37/hg19 16q24.3(chr16:89689822-89726926)x3

Genes: CHMP1A (charged multivesicular body protein 1A; minus strand), CPNE7 (copine 7; plus strand), DPEP1 (dipeptidase 1; plus strand), SPATA33 (spermatogenesis associated 33; plus strand). Cytogenetic location: 16q24.3.
Variant type: copy number gain.
Change: copy number 3 (three copies instead of two) of chr16:89,689,822-89,726,926 (37.1 kb, GRCh37 coordinates, 1-based), cytogenetic band 16q24.3.
Identifiers: ClinVar variation 446436 (VCV000446436.3).

ClinVar aggregate classification (germline): Uncertain significance (0 of 4 stars; one submission).

Submission:

Institute of Human Genetics, University of Goettingen
Classification: Uncertain significance. Last evaluated: 2017-07-05. Review status: no assertion criteria provided. Collection method: clinical testing. Allele origin: unknown. Affected: yes. Observed: 1 variant allele.
Comment: For one of the affected genes in this region, CHMP1A (OMIM 164010), homozygous mutations are described in patients with severe motor delay, ataxia, and hypotonia.